The following is an entry in ClinVar:

ClinVar aggregate classification (germline): Uncertain significance (1 of 4 stars; one submission).

gnomAD v4.1: 21 of 1,614,104 alleles (0.0013%); highest among the groups gnomAD compares: Admixed American, 0.032%; no homozygotes.

Submission:

GeneDx
Classification: Uncertain significance. Last evaluated: 2023-06-08. Review status: criteria provided, single submitter. Criteria: GeneDx Variant Classification Process June 2021. Collection method: clinical testing. Allele origin: germline. Affected: yes.
Comment: In silico analysis supports that this missense variant does not alter protein structure/function; Has not been previously published as pathogenic or benign to our knowledge

NM_016327.3(UPB1):c.307A>C (p.Ile103Leu)

Gene: UPB1 (beta-ureidopropionase 1; plus strand). Cytogenetic location: 22q11.23.
Variant type: single nucleotide variant.
Coding change: c.307A>C on transcript NM_016327.3 (MANE Select); coding-DNA position 307, A replaced by C.
Protein change: p.Ile103Leu; replaces isoleucine 103 with leucine.
Molecular consequence: missense variant.
Genome position (GRCh38, 1-based): chr22:24,502,156, A>C. VCF-style: chr22-24502156-A-C. GRCh37 (hg19) VCF-style: chr22-24898124-A-C.
Other names: short protein forms I103L.
Identifiers: ClinVar variation 3359510 (VCV003359510.1).